The following is an entry in ClinVar:

ClinVar aggregate classification (germline): Uncertain significance. Review status: criteria provided, multiple submitters, no conflicts (2 of 4 stars). 2 submissions from 2 submitters: Uncertain significance (2). Last evaluated 2025-12-31.

Conditions:
Alstrom syndrome (ALMS). Identifiers: Orphanet 64, MedGen C0268425, MONDO:0008763, OMIM 203800.
Cardiovascular phenotype. Identifiers: MedGen CN230736.

Allele frequency attached by ClinVar (database versions not stated): gnomAD exomes below 0.00001.
gnomAD v4.1: 4 of 1,614,040 alleles (0.00025%); highest among the groups gnomAD compares: South Asian, 0.0033%; no homozygotes.

Submissions (2):

Ambry Genetics
Classification: Uncertain significance for Cardiovascular phenotype. Last evaluated: 2025-12-31. Review status: criteria provided, single submitter. Criteria: Ambry Variant Classification Scheme 2023. Collection method: clinical testing. Allele origin: germline.
Comment: The p.E193K variant (also known as c.577G>A), located in coding exon 3 of the ALMS1 gene, results from a G to A substitution at nucleotide position 577. The glutamic acid at codon 193 is replaced by lysine, an amino acid with similar properties. This amino acid position is well conserved in available vertebrate species. In addition, this alteration is predicted to be tolerated by in silico analysis. Based on the available evidence, the clinical significance of this variant remains unclear.

Labcorp Genetics (formerly Invitae), Labcorp
Classification: Uncertain significance for Alstrom syndrome. Last evaluated: 2022-03-21. Review status: criteria provided, single submitter. Criteria: Invitae Variant Classification Sherloc (09022015). Collection method: clinical testing. Allele origin: germline.
Comment: This variant has not been reported in the literature in individuals affected with ALMS1-related conditions. This variant is not present in population databases (gnomAD no frequency). This sequence change replaces glutamic acid, which is acidic and polar, with lysine, which is basic and polar, at codon 193 of the ALMS1 protein (p.Glu193Lys). Experimental studies and prediction algorithms are not available or were not evaluated, and the functional significance of this variant is currently unknown. In summary, the available evidence is currently insufficient to determine the role of this variant in disease. Therefore, it has been classified as a Variant of Uncertain Significance.

NM_001378454.1(ALMS1):c.574G>A (p.Glu192Lys)

Gene: ALMS1 (ALMS1 centrosome and basal body associated protein; plus strand). Cytogenetic location: 2p13.1.
Variant type: single nucleotide variant.
Coding change: c.574G>A on transcript NM_001378454.1 (MANE Select); coding-DNA position 574, G replaced by A.
Protein change: p.Glu192Lys; replaces glutamic acid 192 with lysine.
Molecular consequence: missense variant.
Genome position (GRCh38, 1-based): chr2:73,419,246, G>A. VCF-style: chr2-73419246-G-A. GRCh37 (hg19) VCF-style: chr2-73646374-G-A.
Other names: c.577G>A, p.Glu193Lys (NM_015120.4); short protein forms E193K, E192K.
Identifiers: ClinVar variation 2165366 (VCV002165366.5), dbSNP rs2466036496, ClinGen allele CA347259165.